The following is an entry in ClinVar:

NM_001122630.2(CDKN1C):c.-10-4G>A

Gene: CDKN1C (cyclin dependent kinase inhibitor 1C; minus strand). Cytogenetic location: 11p15.4.
Variant type: single nucleotide variant.
Coding change: c.-10-4G>A on transcript NM_001122630.2 (MANE Select); 4 bases into the intron before 10 bases upstream of the start codon, G replaced by A.
Molecular consequence: intron variant. On other transcripts: missense variant (2).
Genome position (GRCh38, 1-based): chr11:2,885,470, C>T on the plus strand (G>A on the coding strand, the complement: CDKN1C is on the minus strand). VCF-style: chr11-2885470-C-T. GRCh37 (hg19) VCF-style: chr11-2906700-C-T.
Other names: c.20G>A, p.Arg7His (NM_000076.2, NM_001362474.2); c.-10-4G>A (NM_001362475.2, NM_001122631.2); short protein forms R7H.
Identifiers: ClinVar variation 1476987 (VCV001476987.10), dbSNP rs2133786706, ClinGen allele CA379148014.

ClinVar aggregate classification (germline): Uncertain significance. Review status: criteria provided, multiple submitters, no conflicts (2 of 4 stars). 2 submissions from 2 submitters: Uncertain significance (2). Last evaluated 2025-02-05.

Conditions:
Beckwith-Wiedemann syndrome (BWS). Also called: Exomphalos macroglossia gigantism syndrome; EMG SYNDROME. Identifiers: Orphanet 116, MedGen C0004903, MONDO:0007534, OMIM 130650.

Allele frequency attached by ClinVar (database versions not stated): gnomAD exomes below 0.00001.

Submissions (2):

Revvity Omics, Revvity
Classification: Uncertain significance. Last evaluated: 2025-02-05. Review status: criteria provided, single submitter. Criteria: ACMG Guidelines, 2015. Collection method: clinical testing. Allele origin: germline.

Labcorp Genetics (formerly Invitae), Labcorp
Classification: Uncertain significance for Beckwith-Wiedemann syndrome. Last evaluated: 2022-09-08. Review status: criteria provided, single submitter. Criteria: Invitae Variant Classification Sherloc (09022015). Collection method: clinical testing. Allele origin: germline.
Comment: This sequence change replaces arginine, which is basic and polar, with histidine, which is basic and polar, at codon 7 of the CDKN1C protein (p.Arg7His). This variant is not present in population databases (gnomAD no frequency). This variant has not been reported in the literature in individuals affected with CDKN1C-related conditions. ClinVar contains an entry for this variant (Variation ID: 1476987). Algorithms developed to predict the effect of missense changes on protein structure and function output the following: SIFT: "Deleterious"; PolyPhen-2: "Benign"; Align-GVGD: "Class C0". The histidine amino acid residue is found in multiple mammalian species, which suggests that this missense change does not adversely affect protein function. In summary, the available evidence is currently insufficient to determine the role of this variant in disease. Therefore, it has been classified as a Variant of Uncertain Significance.